The following is an entry in ClinVar:

NM_002291.3(LAMB1):c.1990G>A (p.Val664Ile)

Gene: LAMB1 (laminin subunit beta 1; minus strand). Cytogenetic location: 7q31.1.
Variant type: single nucleotide variant.
Coding change: c.1990G>A on transcript NM_002291.3 (MANE Select); coding-DNA position 1990, G replaced by A.
Protein change: p.Val664Ile; replaces valine 664 with isoleucine.
Molecular consequence: missense variant.
Genome position (GRCh38, 1-based): chr7:107,961,325, C>T on the plus strand (G>A on the coding strand, the complement: LAMB1 is on the minus strand). VCF-style: chr7-107961325-C-T. GRCh37 (hg19) VCF-style: chr7-107601770-C-T.
Other names: c.1990G>A (NM_002291.2); short protein forms V664I.
Identifiers: ClinVar variation 1404763 (VCV001404763.8), dbSNP rs373296618, ClinGen allele CA4435787.
Genomic context (GRCh38, chr7:107,961,325, plus strand): 5'-GCTCCAACCTCACCGTGTAGTTTGTTCCCTTCTCAAAGCACACCGGCCGAGGAAGGACGA[C>T]ATATCTGCCCCCAAACAAAAAAGAAAGACAACAACGAAAGTCAACCTTCATGCATCCAAA-3'
Protein context (NP_002282.2, residues 654-674): VVSLSPGSRY[Val664Ile]VLPRPVCFEK

ClinVar aggregate classification (germline): Uncertain significance. Review status: criteria provided, multiple submitters, no conflicts (2 of 4 stars). 2 submissions from 2 submitters: Uncertain significance (2). Last evaluated 2025-08-31.

Conditions:
Inborn genetic diseases. Identifiers: MedGen C0950123, MeSH D030342.

Allele frequency attached by ClinVar (database versions not stated): gnomAD exomes below 0.00001 and 0.00002; ExAC 0.00003; TOPMed 0.00003; gnomAD 0.00005 and 0.00006.
gnomAD v4.1: 21 of 1,612,812 alleles (0.0013%); highest among the groups gnomAD compares: East Asian, 0.016%; no homozygotes.

Submissions (2):

Ambry Genetics
Classification: Uncertain significance for Inborn genetic diseases. Last evaluated: 2025-08-31. Review status: criteria provided, single submitter. Criteria: Ambry Variant Classification Scheme 2023. Collection method: clinical testing. Allele origin: germline.

Labcorp Genetics (formerly Invitae), Labcorp
Classification: Uncertain significance. Last evaluated: 2025-06-11. Review status: criteria provided, single submitter. Criteria: Invitae Variant Classification Sherloc (09022015). Collection method: clinical testing. Allele origin: germline.
Comment: This sequence change replaces valine, which is neutral and non-polar, with isoleucine, which is neutral and non-polar, at codon 664 of the LAMB1 protein (p.Val664Ile). This variant is present in population databases (rs373296618, gnomAD 0.04%). This variant has not been reported in the literature in individuals affected with LAMB1-related conditions. ClinVar contains an entry for this variant (Variation ID: 1404763). An algorithm developed to predict the effect of missense changes on protein structure and function outputs the following: PolyPhen-2: "Benign". The isoleucine amino acid residue is found in multiple mammalian species, which suggests that this missense change does not adversely affect protein function. In summary, the available evidence is currently insufficient to determine the role of this variant in disease. Therefore, it has been classified as a Variant of Uncertain Significance.